The following is an entry in ClinVar:

NM_001267550.2(TTN):c.14701A>G (p.Ile4901Val)

Gene: TTN (titin; minus strand). Cytogenetic location: 2q31.2.
Variant type: single nucleotide variant.
Coding change: c.14701A>G on transcript NM_001267550.2 (MANE Select); coding-DNA position 14701, A replaced by G.
Protein change: p.Ile4901Val; replaces isoleucine 4901 with valine.
Molecular consequence: missense variant. On other transcripts: intron variant (3).
Genome position (GRCh38, 1-based): chr2:178,735,745, T>C on the plus strand (A>G on the coding strand, the complement: TTN is on the minus strand). VCF-style: chr2-178735745-T-C. GRCh37 (hg19) VCF-style: chr2-179600472-T-C.
Other names: c.13750A>G, p.Ile4584Val (NM_001256850.1); c.10969A>G, p.Ile3657Val (NM_133378.4); c.13282+2337A>G (NM_003319.4); c.13858+2337A>G (NM_133437.4); c.13657+2337A>G (NM_133432.3); short protein forms I3657V, I4901V, I4584V.
Identifiers: ClinVar variation 263532 (VCV000263532.3), dbSNP rs886038840, ClinGen allele CA10587513.

ClinVar aggregate classification (germline): Uncertain significance (1 of 4 stars; one submission).

Conditions:
Cardiovascular phenotype. Identifiers: MedGen CN230736.

Allele frequency attached by ClinVar (database versions not stated): gnomAD exomes below 0.00001; TOPMed below 0.00001.
gnomAD v4.1: 6 of 1,613,832 alleles (0.00037%); highest among the groups gnomAD compares: South Asian, 0.0011%; no homozygotes.

Submission:

Ambry Genetics
Classification: Uncertain significance for Cardiovascular phenotype. Last evaluated: 2013-03-18. Review status: criteria provided, single submitter. Criteria: Ambry Autosomal Dominant and X-Linked criteria (10/2015). Collection method: clinical testing. Allele origin: germline. Observed: 1 variant allele.
Comment: There is insufficient or conflicting evidence for classification of this alteration.